The following is an entry in ClinVar:

NM_001114753.3(ENG):c.1583dup (p.Arg529fs)

Genes: ENG (endoglin; minus strand), LOC102723566 (uncharacterized LOC102723566; plus strand). Cytogenetic location: 9q34.11.
Variant type: Duplication.
Coding change: c.1583dup on transcript NM_001114753.3 (MANE Select); coding-DNA position 1583, one base duplicated (C; older notation c.1583dupC).
Protein change: p.Arg529fs; shifts the reading frame from arginine 529.
Molecular consequence: frameshift variant.
Genome position (GRCh38, 1-based): chr9:127,818,223, G duplicated on the plus strand (C on the coding strand, the reverse complement: ENG is on the minus strand); the first of 3 consecutive G bases (chr9:127,818,223-127,818,225); duplicating any one gives the same sequence. VCF-style (leftmost placement, unchanged base first): chr9-127818222-C-CG. GRCh37 (hg19) VCF-style: chr9-130580501-C-CG.
Other names: c.1581dup, p.Arg529Alafs (NM_000118.4); c.1037dup, p.Arg347fs (NM_001278138.2); short protein forms R529fs, R347fs.
Identifiers: ClinVar variation 2136815 (VCV002136815.4), dbSNP rs1554809253, ClinGen allele CA2580079650.

ClinVar aggregate classification (germline): Pathogenic (1 of 4 stars; one submission).

Conditions:
Hereditary hemorrhagic telangiectasia (HHT). Also called: ORW DISEASE; Osler Weber Rendu syndrome; OSLER-RENDU-WEBER DISEASE; Osler hemorrhagic telangiectasia syndrome. Identifiers: Orphanet 774, MedGen C0039445, MONDO:0019180. Disease mechanism: loss of function.

Submission:

Labcorp Genetics (formerly Invitae), Labcorp
Classification: Pathogenic for Hereditary hemorrhagic telangiectasia. Last evaluated: 2022-05-02. Review status: criteria provided, single submitter. Criteria: Invitae Variant Classification Sherloc (09022015). Collection method: clinical testing. Allele origin: germline.
Comment: This sequence change creates a premature translational stop signal (p.Arg529Alafs*38) in the ENG gene. While this is not anticipated to result in nonsense mediated decay, it is expected to disrupt the last 97 amino acid(s) of the ENG protein. For these reasons, this variant has been classified as Pathogenic. This variant disrupts a region of the ENG protein in which other variant(s) (p.Leu572*) have been determined to be pathogenic (PMID: 11440987; Invitae). This suggests that this is a clinically significant region of the protein, and that variants that disrupt it are likely to be disease-causing. This premature translational stop signal has been observed in individual(s) with hereditary hemorrhagic telangiectasia (PMID: 16752392). This variant is not present in population databases (gnomAD no frequency).

Literature cited by the submitters: PubMed 11440987; PubMed 16752392.